The following is an entry in ClinVar:

ClinVar aggregate classification (germline): Uncertain significance (1 of 4 stars; one submission).

Submission:

Labcorp Genetics (formerly Invitae), Labcorp
Classification: Uncertain significance. Last evaluated: 2022-06-14. Review status: criteria provided, single submitter. Criteria: Invitae Variant Classification Sherloc (09022015). Collection method: clinical testing. Allele origin: germline.
Comment: This variant, c.1842_1844del, results in the deletion of 1 amino acid(s) of the COQ8A protein (p.Gly615del), but otherwise preserves the integrity of the reading frame. This variant is present in population databases (no rsID available, gnomAD 0.006%). This variant has not been reported in the literature in individuals affected with COQ8A-related conditions. Experimental studies and prediction algorithms are not available or were not evaluated, and the functional significance of this variant is currently unknown. In summary, the available evidence is currently insufficient to determine the role of this variant in disease. Therefore, it has been classified as a Variant of Uncertain Significance.

NM_020247.5(COQ8A):c.1842_1844del (p.Gly615del)

Gene: COQ8A (coenzyme Q8A; plus strand). Cytogenetic location: 1q42.13.
Variant type: Deletion.
Coding change: c.1842_1844del on transcript NM_020247.5 (MANE Select); coding-DNA positions 1842 to 1844, 3 bases deleted (GGG; older notation c.1842_1844delGGG).
Protein change: p.Gly615del; deletes glycine 615.
Molecular consequence: inframe deletion.
Genome position (GRCh38, 1-based): chr1:226,986,635-226,986,637, GGG deleted; deleting any 3 consecutive bases within chr1:226,986,632-226,986,637 gives the same sequence; the c. name uses the placement nearest the transcript's 3' end. VCF-style (leftmost placement, unchanged base first): chr1-226986631-TGGG-T. GRCh37 (hg19) VCF-style: chr1-227174332-TGGG-T.
Other names: short protein forms G615del.
Identifiers: ClinVar variation 1961512 (VCV001961512.5), dbSNP rs764847439, ClinGen allele CA529464711.